The following is an entry in ClinVar:

NM_005188.4(CBL):c.2183G>A (p.Ser728Asn)

Gene: CBL (Cbl proto-oncogene; plus strand). Cytogenetic location: 11q23.3.
Variant type: single nucleotide variant.
Coding change: c.2183G>A on transcript NM_005188.4 (MANE Select); coding-DNA position 2183, G replaced by A.
Protein change: p.Ser728Asn; replaces serine 728 with asparagine.
Molecular consequence: missense variant.
Genome position (GRCh38, 1-based): chr11:119,297,413, G>A. VCF-style: chr11-119297413-G-A. GRCh37 (hg19) VCF-style: chr11-119168123-G-A.
Other names: short protein forms S728N.
Identifiers: ClinVar variation 5033769 (VCV005033769.1).

ClinVar aggregate classification (germline): Uncertain significance (1 of 4 stars; one submission).

Conditions:
Cardiovascular phenotype. Identifiers: MedGen CN230736.

Submission:

Ambry Genetics
Classification: Uncertain significance for Cardiovascular phenotype. Last evaluated: 2026-08-23. Review status: criteria provided, single submitter. Criteria: Ambry Variant Classification Scheme 2023. Collection method: clinical testing. Allele origin: germline.
Comment: The p.S728N variant (also known as c.2183G>A), located in coding exon 14 of the CBL gene, results from a G to A substitution at nucleotide position 2183. The serine at codon 728 is replaced by asparagine, an amino acid with highly similar properties. This amino acid position is conserved. In addition, this alteration is predicted to be tolerated by in silico analysis. Based on the available evidence, the clinical significance of this variant remains unclear.